The following is an entry in ClinVar:

NM_052867.4(NALCN):c.684C>G (p.His228Gln)

Gene: NALCN (sodium leak channel, non-selective; minus strand). Cytogenetic location: 13q33.1.
Variant type: single nucleotide variant.
Coding change: c.684C>G on transcript NM_052867.4 (MANE Select); coding-DNA position 684, C replaced by G.
Protein change: p.His228Gln; replaces histidine 228 with glutamine.
Molecular consequence: missense variant.
Genome position (GRCh38, 1-based): chr13:101,345,381, G>C on the plus strand (C>G on the coding strand, the complement: NALCN is on the minus strand). VCF-style: chr13-101345381-G-C. GRCh37 (hg19) VCF-style: chr13-101997732-G-C.
Other names: c.684C>G, p.His228Gln (NM_001350748.2, NM_001350749.2, NM_001350750.2 and 1 more transcripts); short protein forms H228Q.
Identifiers: ClinVar variation 4882926 (VCV004882926.2).

ClinVar aggregate classification (germline): Uncertain significance (1 of 4 stars; one submission).

Conditions:
Congenital contractures of the limbs and face, hypotonia, and developmental delay (CLIFAHDD). Identifiers: Orphanet 562528, MedGen C4225398, MONDO:0014556, OMIM 616266.

Submission:

Dasa
Classification: Uncertain significance for Congenital contractures of the limbs and face, hypotonia, and developmental delay. Last evaluated: 2025-10-04. Review status: criteria provided, single submitter. Criteria: DASA Assertion Criteria. Collection method: clinical testing. Allele origin: germline.
Comment: NM_052867.4(NALCN):c.684C>G (p.His228Gln) is a missense variant that results in the substitution of histidine with glutamine. This variant is absent from population databases. Computational prediction algorithms are consistent with a deleterious effect. The currently available literature and clinical evidence are not sufficient to establish a definitive association between this variant and the reported condition. Therefore, this variant is classified as a variant of uncertain significance.